The following is an entry in ClinVar:

ClinVar aggregate classification (germline): Conflicting classifications of pathogenicity. Review status: criteria provided, conflicting classifications (1 of 4 stars). 2 submissions from 2 submitters: Uncertain significance (1); Likely benign (1). Last evaluated 2025-01-13.

Allele frequency attached by ClinVar (database versions not stated): gnomAD exomes 0.00003; gnomAD 0.00010; TOPMed 0.00010; ExAC 0.00011; 1000 Genomes Project 30x 0.00016; 1000 Genomes Project 0.00020; ESP Exome Variant Server 0.00041.
gnomAD v4.1: 59 of 1,614,202 alleles (0.0037%); highest among the groups gnomAD compares: African/African-American, 0.025%; no homozygotes.

Submissions (2):

Labcorp Genetics (formerly Invitae), Labcorp
Classification: Likely benign. Last evaluated: 2025-01-13. Review status: criteria provided, single submitter. Criteria: Invitae Variant Classification Sherloc (09022015). Collection method: clinical testing. Allele origin: germline.

GeneDx
Classification: Uncertain significance. Last evaluated: 2024-03-07. Review status: criteria provided, single submitter. Criteria: GeneDx Variant Classification Process June 2021. Collection method: clinical testing. Allele origin: germline. Affected: yes.
Comment: In silico analysis supports that this missense variant does not alter protein structure/function; Has not been previously published as pathogenic or benign to our knowledge

NM_001846.4(COL4A2):c.1690G>A (p.Val564Ile)

Genes: COL4A2 (collagen type IV alpha 2 chain; plus strand), COL4A2-AS2 (COL4A2 antisense RNA 2; minus strand). Cytogenetic location: 13q34.
Variant type: single nucleotide variant.
Coding change: c.1690G>A on transcript NM_001846.4 (MANE Select); coding-DNA position 1690, G replaced by A.
Protein change: p.Val564Ile; replaces valine 564 with isoleucine.
Molecular consequence: missense variant.
Genome position (GRCh38, 1-based): chr13:110,462,298, G>A. VCF-style: chr13-110462298-G-A. GRCh37 (hg19) VCF-style: chr13-111114645-G-A.
Other names: c.1690G>A (NM_001846.2); short protein forms V564I.
Identifiers: ClinVar variation 2189518 (VCV002189518.5), dbSNP rs374304814, ClinGen allele CA7049678.